The following is an entry in ClinVar:

ClinVar aggregate classification (germline): Benign. Review status: criteria provided, multiple submitters, no conflicts (2 of 4 stars). 10 submissions from 9 submitters: Benign (10). Last evaluated 2026-02-04.

Conditions:
Hearing loss, autosomal recessive 57. Also called: DEAFNESS, AUTOSOMAL RECESSIVE 57. Identifiers: MedGen C4693893, MONDO:0033201, OMIM 618003.
Usher syndrome type 2C. Also called: Usher syndrome, type 2B; USHER SYNDROME, TYPE IIC. Identifiers: Orphanet 231178, Orphanet 886, MedGen C2931213, MONDO:0011558, OMIM 605472.

Submissions (10):

Labcorp Genetics (formerly Invitae), Labcorp
Classification: Benign. Last evaluated: 2026-02-04. Review status: criteria provided, single submitter. Criteria: Invitae Variant Classification Sherloc (09022015). Collection method: clinical testing. Allele origin: germline.

Blueprint Genetics
Classification: Benign. Last evaluated: 2024-11-27. Review status: criteria provided, single submitter. Criteria: ACMG Guidelines, 2015. Collection method: clinical testing. Allele origin: germline.

Genome-Nilou Lab
Classification: Benign for Hearing loss, autosomal recessive 57. Last evaluated: 2021-09-05. Review status: criteria provided, single submitter. Criteria: ACMG Guidelines, 2015. Collection method: clinical testing. Allele origin: germline. Affected: no.

Genome-Nilou Lab
Classification: Benign for Usher syndrome type 2C. Last evaluated: 2021-09-05. Review status: criteria provided, single submitter. Criteria: ACMG Guidelines, 2015. Collection method: clinical testing. Allele origin: germline. Affected: no.

Mayo Clinic Laboratories, Mayo Clinic
Classification: Benign. Last evaluated: 2020-10-20. Review status: criteria provided, single submitter. Criteria: ACMG Guidelines, 2015. Collection method: clinical testing. Allele origin: germline. Observed: 107 variant alleles.

GeneDx
Classification: Benign. Last evaluated: 2018-06-06. Review status: criteria provided, single submitter. Criteria: GeneDx Variant Classification (06012015). Collection method: clinical testing. Allele origin: germline. Affected: yes.
Comment: This variant is considered likely benign or benign based on one or more of the following criteria: it is a conservative change, it occurs at a poorly conserved position in the protein, it is predicted to be benign by multiple in silico algorithms, and/or has population frequency not consistent with disease.

Genomic Diagnostic Laboratory, Division of Genomic Diagnostics, Children's Hospital of Philadelphia
Classification: Benign. Last evaluated: 2015-02-05. Review status: criteria provided, single submitter. Criteria: DGD Variant Analysis Guidelines. Collection method: clinical testing. Allele origin: unknown.

Eurofins Ntd Llc (ga)
Classification: Benign. Last evaluated: 2014-07-22. Review status: criteria provided, single submitter. Criteria: EGL Classification Definitions. Collection method: clinical testing. Allele origin: germline. Observed: 3 variant alleles, 2 heterozygotes, 1 homozygote.

Laboratory for Molecular Medicine, Mass General Brigham Personalized Medicine
Classification: Benign. Last evaluated: 2012-11-05. Review status: criteria provided, single submitter. Criteria: LMM Criteria. Collection method: clinical testing. Allele origin: germline. Observed: 298 variant alleles.
Comment: Arg783_Ser784dup in exon 15A of PDZD7: This variant is not expected to have clin ical significance because it has been identified in 27% (584/2178) of chromosome s from a broad population (1000Genomes, dbSNP rs200896335).

PreventionGenetics, part of Exact Sciences
Classification: Benign. Review status: criteria provided, single submitter. Criteria: ACMG Guidelines, 2015. Collection method: clinical testing. Allele origin: germline.

NM_001195263.2(PDZD7):c.2335CGCAGC[4] (p.773RS[7])

Gene: PDZD7 (PDZ domain containing 7; minus strand). Cytogenetic location: 10q24.31.
Variant type: Microsatellite.
Coding change: c.2335CGCAGC[4] on transcript NM_001195263.2 (MANE Select); four copies in a row of the 6-base unit CGCAGC starting at c.2335; the reference has three copies in a row; one copy, 6 bases duplicated; also written c.2347_2352dup.
Protein change: p.773RS[7].
Molecular consequence: inframe insertion.
Genome position (GRCh38, 1-based): chr10:101,010,537-101,010,542, GCTGCG duplicated on the plus strand (CGCAGC on the coding strand, the reverse complement: PDZD7 is on the minus strand); duplicating any 6 consecutive bases within chr10:101,010,537-101,010,557 gives the same sequence; the position shown is the placement nearest the transcript's 3' end. VCF-style (leftmost placement, unchanged base first): chr10-101010536-T-TGCTGCG. GRCh37 (hg19) VCF-style: chr10-102770293-T-TGCTGCG.
Other names: p.Arg783_Ser784dup; c.2347_2352dup (NM_001195263.2).
Identifiers: ClinVar variation 44126 (VCV000044126.21), dbSNP rs200896335, ClinGen allele CA201198.